The following is an entry in ClinVar:

ClinVar aggregate classification (germline): Uncertain significance (1 of 4 stars; one submission).

Submission:

Labcorp Genetics (formerly Invitae), Labcorp
Classification: Uncertain significance. Last evaluated: 2025-11-09. Review status: criteria provided, single submitter. Criteria: Invitae Variant Classification Sherloc (09022015). Collection method: clinical testing. Allele origin: germline.
Comment: This sequence change replaces leucine, which is neutral and non-polar, with phenylalanine, which is neutral and non-polar, at codon 261 of the GNB1 protein (p.Leu261Phe). This variant is not present in population databases (gnomAD no frequency). This variant has not been reported in the literature in individuals affected with GNB1-related conditions. Invitae Evidence Modeling of protein sequence and biophysical properties (such as structural, functional, and spatial information, amino acid conservation, physicochemical variation, residue mobility, and thermodynamic stability) indicates that this missense variant is expected to disrupt GNB1 protein function with a positive predictive value of 80%. In summary, the available evidence is currently insufficient to determine the role of this variant in disease. Therefore, it has been classified as a Variant of Uncertain Significance.

NM_002074.5(GNB1):c.781C>T (p.Leu261Phe)

Gene: GNB1 (G protein subunit beta 1; minus strand). Cytogenetic location: 1p36.33.
Variant type: single nucleotide variant.
Coding change: c.781C>T on transcript NM_002074.5 (MANE Select); coding-DNA position 781, C replaced by T.
Protein change: p.Leu261Phe; replaces leucine 261 with phenylalanine.
Molecular consequence: missense variant.
Genome position (GRCh38, 1-based): chr1:1,789,188, G>A on the plus strand (C>T on the coding strand, the complement: GNB1 is on the minus strand). VCF-style: chr1-1789188-G-A. GRCh37 (hg19) VCF-style: chr1-1720627-G-A.
Other names: c.481C>T, p.Leu161Phe (NM_001282538.2); c.781C>T, p.Leu261Phe (NM_001282539.2); short protein forms L161F, L261F.
Identifiers: ClinVar variation 4803173 (VCV004803173.1).